The following is an entry in ClinVar:

ClinVar aggregate classification (germline): Likely benign. Review status: criteria provided, multiple submitters, no conflicts (2 of 4 stars). 2 submissions from 2 submitters: Likely benign (2). Last evaluated 2026-08-01.

Allele frequency attached by ClinVar (database versions not stated): gnomAD exomes below 0.00001 and 0.00001; ExAC 0.00001; gnomAD 0.00001; TOPMed 0.00001; ESP Exome Variant Server 0.00008.
gnomAD v4.1: 16 of 1,612,292 alleles (0.00099%); highest among the groups gnomAD compares: African/African-American, 0.0013%; no homozygotes.

Submissions (2):

CeGaT Center for Human Genetics Tuebingen
Classification: Likely benign. Last evaluated: 2026-08-01. Review status: criteria provided, single submitter. Criteria: CeGaT Center For Human Genetics Tuebingen Variant Classification Criteria Version 2. Collection method: clinical testing. Allele origin: germline. Affected: yes. Observed: 1 variant allele.
Comment: MYO7A: BP4, BP7

Labcorp Genetics (formerly Invitae), Labcorp
Classification: Likely benign. Last evaluated: 2024-06-23. Review status: criteria provided, single submitter. Criteria: Invitae Variant Classification Sherloc (09022015). Collection method: clinical testing. Allele origin: germline.

NM_000260.4(MYO7A):c.5775G>A (p.Lys1925=)

Gene: MYO7A (myosin VIIA; plus strand). Cytogenetic location: 11q13.5.
Variant type: single nucleotide variant.
Coding change: c.5775G>A on transcript NM_000260.4 (MANE Select); coding-DNA position 5775, G replaced by A.
Protein change: p.Lys1925=; no amino-acid change (lysine 1925 retained).
Molecular consequence: synonymous variant.
Genome position (GRCh38, 1-based): chr11:77,207,321, G>A. VCF-style: chr11-77207321-G-A. GRCh37 (hg19) VCF-style: chr11-76918366-G-A.
Other names: c.5661G>A, p.Lys1887= (NM_001127180.2); c.5628G>A, p.Lys1876= (NM_001369365.1).
Identifiers: ClinVar variation 1159957 (VCV001159957.10), dbSNP rs375462822, ClinGen allele CA6198831.
Genomic context (GRCh38, chr11:77,207,321, plus strand): 5'-GGAGCCCAGTGCTCACTGCCCCTCCCAGGCCTTCGAAGTGGAGTCCAGCACCAAGGCCAA[G>A]GACTTCTGCCAGAACATCGCCACCAGGCTGCTCCTCAAGTCCTCAGAGGGATTCAGCCTC-3'
Protein context (NP_000251.3, residues 1915-1935): AFEVESSTKA[Lys1925=]DFCQNIATRL